The following is an entry in ClinVar:

ClinVar aggregate classification (germline): Pathogenic (1 of 4 stars; one submission).

Submission:

Athena Diagnostics
Classification: Pathogenic. Last evaluated: 2020-08-21. Review status: criteria provided, single submitter. Criteria: Athena Diagnostics Criteria. Collection method: clinical testing. Allele origin: unknown.
Comment: This variant creates an early termination codon, which is expected to result in a truncated and non-functional CHD7 protein. This variant has been identified de novo in one individual with clinical features associated with this gene (DOI:10.4236/scd.2012.21001). This variant has not been reported in large, multi-ethnic general populations.This observation is not an independent occurrence and has been identified in the same individual by RCIGM, the other laboratory participating in the GEMINI study.

NM_017780.4(CHD7):c.5693T>G (p.Leu1898Ter)

Gene: CHD7 (chromodomain helicase DNA binding protein 7; plus strand). Cytogenetic location: 8q12.2.
Variant type: single nucleotide variant.
Coding change: c.5693T>G on transcript NM_017780.4 (MANE Select); coding-DNA position 5693, T replaced by G.
Protein change: p.Leu1898Ter; replaces leucine 1898 with a stop codon.
Molecular consequence: nonsense. On other transcripts: intron variant (1).
Genome position (GRCh38, 1-based): chr8:60,852,046, T>G. VCF-style: chr8-60852046-T-G. GRCh37 (hg19) VCF-style: chr8-61764605-T-G.
Other names: c.1717-10183T>G (NM_001316690.1); short protein forms L1898*.
Identifiers: ClinVar variation 1809741 (VCV001809741.1), dbSNP rs2488029205, ClinGen allele CA371322403.